The following is an entry in ClinVar:

NM_000355.4(TCN2):c.380del (p.Leu127fs)

Gene: TCN2 (transcobalamin 2; plus strand). Cytogenetic location: 22q12.2.
Variant type: Deletion.
Coding change: c.380del on transcript NM_000355.4 (MANE Select); coding-DNA position 380, one base deleted (T; older notation c.380delT).
Protein change: p.Leu127fs; shifts the reading frame from leucine 127.
Molecular consequence: frameshift variant. On other transcripts: intron variant (1).
Genome position (GRCh38, 1-based): chr22:30,612,995, T deleted. VCF-style (leftmost placement, unchanged base first): chr22-30612994-CT-C. GRCh37 (hg19) VCF-style: chr22-31008981-CT-C.
Other names: c.346+34del (NM_001184726.2); short protein forms L127fs.
Identifiers: ClinVar variation 2707610 (VCV002707610.3), dbSNP rs2517903686, ClinGen allele CA2697552683.

ClinVar aggregate classification (germline): Pathogenic (1 of 4 stars; one submission).

Conditions:
Transcobalamin II deficiency (TCN2D). Also called: TC II DEFICIENCY; TCN2 DEFICIENCY; Transcolabamin II deficiency. Identifiers: Orphanet 859, MedGen C0342701, MONDO:0010149, OMIM 275350.

Submission:

Labcorp Genetics (formerly Invitae), Labcorp
Classification: Pathogenic for Transcobalamin II deficiency. Last evaluated: 2024-01-04. Review status: criteria provided, single submitter. Criteria: Invitae Variant Classification Sherloc (09022015). Collection method: clinical testing. Allele origin: germline.
Comment: This sequence change creates a premature translational stop signal (p.Leu127Argfs*80) in the TCN2 gene. It is expected to result in an absent or disrupted protein product. Loss-of-function variants in TCN2 are known to be pathogenic (PMID: 7980584, 20352340). This variant is not present in population databases (gnomAD no frequency). This variant has not been reported in the literature in individuals affected with TCN2-related conditions. For these reasons, this variant has been classified as Pathogenic.

Literature cited by the submitters: PubMed 7980584; PubMed 20352340.